The following is an entry in ClinVar:

NM_000138.5(FBN1):c.2686T>A (p.Cys896Ser)

Gene: FBN1 (fibrillin 1; minus strand). Cytogenetic location: 15q21.1.
Variant type: single nucleotide variant.
Coding change: c.2686T>A on transcript NM_000138.5 (MANE Select); coding-DNA position 2686, T replaced by A.
Protein change: p.Cys896Ser; replaces cysteine 896 with serine.
Molecular consequence: missense variant.
Genome position (GRCh38, 1-based): chr15:48,494,246, A>T on the plus strand (T>A on the coding strand, the complement: FBN1 is on the minus strand). VCF-style: chr15-48494246-A-T. GRCh37 (hg19) VCF-style: chr15-48786443-A-T.
Other names: c.2686T>A, p.Cys896Ser (NM_001406716.1); short protein forms C896S.
Identifiers: ClinVar variation 3754082 (VCV003754082.4).

ClinVar aggregate classification (germline): Conflicting classifications of pathogenicity. Review status: criteria provided, conflicting classifications (1 of 4 stars). 3 submissions from 3 submitters: Pathogenic (1); Likely pathogenic (1); Uncertain significance (1). Last evaluated 2024-04-17.

Conditions:
Marfan syndrome (MFS). Also called: MARFAN SYNDROME, TYPE I; Marfan syndrome type 1; Marfan's syndrome; Marfan syndrome, classic; FBN1-Related Marfan Syndrome. Identifiers: Orphanet 284963, Orphanet 558, MedGen C0024796, MONDO:0007947, OMIM 154700.
Familial thoracic aortic aneurysm and aortic dissection (TAAD). Also called: Thoracic aortic aneurysms and dissections. Identifiers: Orphanet 91387, MedGen C4707243, MONDO:0019625.
FBN1-related disorder. Also called: FBN1-related disorders.

Submissions (3):

Labcorp Genetics (formerly Invitae), Labcorp
Classification: Pathogenic for Marfan syndrome; Familial thoracic aortic aneurysm and aortic dissection. Last evaluated: 2024-04-17. Review status: criteria provided, single submitter. Criteria: Invitae Variant Classification Sherloc (09022015). Collection method: clinical testing. Allele origin: germline.
Comment: This sequence change replaces cysteine, which is neutral and slightly polar, with serine, which is neutral and polar, at codon 896 of the FBN1 protein (p.Cys896Ser). This variant is not present in population databases (gnomAD no frequency). This variant has not been reported in the literature in individuals affected with FBN1-related conditions. Advanced modeling of protein sequence and biophysical properties (such as structural, functional, and spatial information, amino acid conservation, physicochemical variation, residue mobility, and thermodynamic stability) performed at Invitae indicates that this missense variant is expected to disrupt FBN1 protein function with a positive predictive value of 95%. This variant affects a cysteine residue in the EGF-like, TGFBP or hybrid motif domains of FBN1. Cysteine residues are believed to be involved in intramolecular disulfide bridges and have been shown to be important for FBN1 protein structure (PMID: 16905551, 19349279). In addition, missense substitutions affecting cysteine residues within these domains are significantly overrepresented among patients with Marfan syndrome (PMID: 16571647, 17701892). This variant disrupts the p.Cys896 amino acid residue in FBN1. Other variant(s) that disrupt this residue have been observed in individuals with FBN1-related conditions (PMID: 19293843, 27906200; Invitae), which suggests that this may be a clinically significant amino acid residue. For these reasons, this variant has been classified as Pathogenic.

3billion
Classification: Uncertain significance for Marfan syndrome. Last evaluated: 2023-07-26. Review status: criteria provided, single submitter. Criteria: ACMG Guidelines, 2015. Collection method: clinical testing. Allele origin: germline. Affected: yes.
Comment: The variant is not observed in the gnomAD v2.1.1 dataset. Predicted Consequence/Location: Missense variant In silico tool predictions suggest damaging effect of the variant on gene or gene product (REVEL: 0.93; 3Cnet: 1.00). Different missense changes at the same codon (p.Cys896Arg, p.Cys896Gly, p.Cys896Trp, p.Cys896Tyr) have been reported as pathogenic/likely pathogenic with strong evidence (ClinVar ID: VCV000961950, VCV001451245 /PMID: 19293843, 27906200, 32679894). Therefore, this variant is classified as VUS according to the recommendation of ACMG/AMP guideline.

Blueprint Genetics
Classification: Likely pathogenic for FBN1-related disorders. Last evaluated: 2022-08-25. Review status: criteria provided, single submitter. Criteria: ACMG Guidelines, 2015. Collection method: clinical testing. Allele origin: germline. Affected: yes. Observed: 2 variant alleles.

Literature cited by the submitters: PubMed 16905551 (cited by Labcorp Genetics (formerly Invitae), Labcorp); PubMed 19349279 (cited by Labcorp Genetics (formerly Invitae), Labcorp); PubMed 16571647 (cited by Labcorp Genetics (formerly Invitae), Labcorp); PubMed 17701892 (cited by Labcorp Genetics (formerly Invitae), Labcorp); PubMed 19293843 (cited by Labcorp Genetics (formerly Invitae), Labcorp and 3billion); PubMed 27906200 (cited by Labcorp Genetics (formerly Invitae), Labcorp).